The following is an entry in ClinVar:

NM_000466.3(PEX1):c.1587+5T>C

Gene: PEX1 (peroxisomal biogenesis factor 1; minus strand). Cytogenetic location: 7q21.2.
Variant type: single nucleotide variant.
Coding change: c.1587+5T>C on transcript NM_000466.3 (MANE Select); 5 bases into the intron after coding-DNA position 1587, T replaced by C.
Molecular consequence: intron variant.
Genome position (GRCh38, 1-based): chr7:92,510,939, A>G on the plus strand (T>C on the coding strand, the complement: PEX1 is on the minus strand). VCF-style: chr7-92510939-A-G. GRCh37 (hg19) VCF-style: chr7-92140253-A-G.
Other names: c.1587+5T>C (NM_001282677.2); c.963+5T>C (NM_001282678.2).
Identifiers: ClinVar variation 426135 (VCV000426135.22), dbSNP rs199526105, ClinGen allele CA4341370.

ClinVar aggregate classification (germline): Conflicting classifications of pathogenicity. Review status: criteria provided, conflicting classifications (1 of 4 stars). 8 submissions from 8 submitters: Uncertain significance (5); Likely benign (2). 1 of the submissions does not count toward it. Last evaluated 2026-04-23.

Conditions:
PEX1-related disorder. Also called: PEX1-related condition.
Zellweger spectrum disorders (ZS). Also called: Zellweger Spectrum Disorder; Zellweger Spectrum; Zellweger Spectrum Disorder (ZSD); Zellweger syndrome. Identifiers: Orphanet 912, MedGen C0043459, MONDO:0019609.
Peroxisome biogenesis disorder 1A (Zellweger) (PBD1A). Also called: Peroxisome biogenesis disorder 1a; Zellweger leukodystrophy. Identifiers: MedGen C4721541, MONDO:0008953, OMIM 214100.

Allele frequency attached by ClinVar (database versions not stated): gnomAD exomes 0.00008 and 0.00015; gnomAD 0.00011; TOPMed 0.00011; ExAC 0.00017; ESP Exome Variant Server 0.00024.
gnomAD v4.1: 118 of 1,312,002 alleles (0.009%); highest among the groups gnomAD compares: Admixed American, 0.0051%; no homozygotes.

Submissions (8):

Greenwood Genetic Center Diagnostic Laboratories, Greenwood Genetic Center
Classification: Uncertain significance. Last evaluated: 2026-04-23. Review status: criteria provided, single submitter. Criteria: ACMG Guidelines, 2015. Collection method: clinical testing. Allele origin: germline.
Comment: No Rules Apply

Labcorp Genetics (formerly Invitae), Labcorp
Classification: Likely benign for Zellweger spectrum disorders. Last evaluated: 2026-02-02. Review status: criteria provided, single submitter. Criteria: Invitae Variant Classification Sherloc (09022015). Collection method: clinical testing. Allele origin: germline.

PreventionGenetics, part of Exact Sciences
Classification: Likely benign for PEX1-related condition. Last evaluated: 2024-12-30. Review status: criteria provided, single submitter. Criteria: ACMG Guidelines, 2015. Collection method: clinical testing. Allele origin: germline.
Comment: This variant is classified as likely benign based on ACMG/AMP sequence variant interpretation guidelines (Richards et al. 2015 PMID: 25741868, with internal and published modifications).

GeneDx
Classification: Uncertain significance. Last evaluated: 2023-10-13. Review status: criteria provided, single submitter. Criteria: GeneDx Variant Classification Process June 2021. Collection method: clinical testing. Allele origin: germline. Affected: yes.
Comment: Has not been previously published as pathogenic or benign to our knowledge; In silico analysis is inconclusive as to whether the variant alters gene splicing. In the absence of RNA/functional studies, the actual effect of this sequence change is unknown.

Mayo Clinic Laboratories, Mayo Clinic
Classification: Uncertain significance. Last evaluated: 2022-03-14. Review status: criteria provided, single submitter. Criteria: ACMG Guidelines, 2015. Collection method: clinical testing. Allele origin: germline. Observed: 1 variant allele.

Illumina Laboratory Services, Illumina
Classification: Uncertain significance for Peroxisome biogenesis disorder 1A (Zellweger). Last evaluated: 2018-01-13. Review status: criteria provided, single submitter. Criteria: ICSL Variant Classification Criteria 13 December 2019. Collection method: clinical testing. Allele origin: germline.

Eurofins Ntd Llc (ga)
Classification: Uncertain significance. Last evaluated: 2017-12-12. Review status: criteria provided, single submitter. Criteria: EGL Classification Definitions 2015. Collection method: clinical testing. Allele origin: germline. Observed: 1 variant allele, 1 heterozygote.

Natera, Inc.
Classification: Uncertain significance for Zellweger syndrome. Last evaluated: 2018-03-26. Review status: no assertion criteria provided. Collection method: clinical testing. Allele origin: germline. Not counted in ClinVar's aggregate classification.